The following is an entry in ClinVar:

ClinVar aggregate classification (germline): Uncertain significance. Review status: criteria provided, multiple submitters, no conflicts (2 of 4 stars). 2 submissions from 2 submitters: Uncertain significance (2). Last evaluated 2021-02-19.

Allele frequency attached by ClinVar (database versions not stated): gnomAD exomes below 0.00001.
gnomAD v4.1: 3 of 1,614,210 alleles (0.00019%); highest among the groups gnomAD compares: Non-Finnish European, 0.00017%; no homozygotes.

Submissions (2):

Labcorp Genetics (formerly Invitae), Labcorp
Classification: Uncertain significance. Last evaluated: 2021-02-19. Review status: criteria provided, single submitter. Criteria: Invitae Variant Classification Sherloc (09022015). Collection method: clinical testing. Allele origin: germline.
Comment: In summary, the available evidence is currently insufficient to determine the role of this variant in disease. Therefore, it has been classified as a Variant of Uncertain Significance. Algorithms developed to predict the effect of sequence changes on RNA splicing suggest that this variant may create or strengthen a splice site, but this prediction has not been confirmed by published transcriptional studies. Algorithms developed to predict the effect of missense changes on protein structure and function are either unavailable or do not agree on the potential impact of this missense change (SIFT: "Tolerated"; PolyPhen-2: "Not Available"; Align-GVGD: "Class C0"). This variant has not been reported in the literature in individuals with PDZD7-related conditions. ClinVar contains an entry for this variant (Variation ID: 929917). This variant is not present in population databases (ExAC no frequency). This sequence change replaces methionine with valine at codon 468 of the PDZD7 protein (p.Met468Val). The methionine residue is moderately conserved and there is a small physicochemical difference between methionine and valine.

Laboratory for Molecular Medicine, Mass General Brigham Personalized Medicine
Classification: Uncertain significance. Last evaluated: 2019-07-15. Review status: criteria provided, single submitter. Criteria: LMM Criteria. Collection method: clinical testing. Allele origin: germline. Observed: 1 variant allele.
Comment: The p.Met468Val variant in PDZD7 has not been previously reported in individuals with hearing loss, but has been identified in 0.001% (1/113756) of European chromosomes by gnomAD. Computational prediction tools and conservation analyses suggest that this variant may not impact the protein, though this information is not predictive enough to rule out pathogenicity. In summary, the clinical significance of this variant is uncertain. ACMG/AMP Criteria applied: PM2, BP3.

NM_001195263.2(PDZD7):c.1402A>G (p.Met468Val)

Gene: PDZD7 (PDZ domain containing 7; minus strand). Cytogenetic location: 10q24.31.
Variant type: single nucleotide variant.
Coding change: c.1402A>G on transcript NM_001195263.2 (MANE Select); coding-DNA position 1402, A replaced by G.
Protein change: p.Met468Val; replaces methionine 468 with valine.
Molecular consequence: missense variant.
Genome position (GRCh38, 1-based): chr10:101,018,219, T>C on the plus strand (A>G on the coding strand, the complement: PDZD7 is on the minus strand). VCF-style: chr10-101018219-T-C. GRCh37 (hg19) VCF-style: chr10-102777976-T-C.
Other names: c.1430A>G, p.Asp477Gly (NM_001351044.2); c.1402A>G, p.Met468Val (NM_024895.5); short protein forms D477G, M468V.
Identifiers: ClinVar variation 929917 (VCV000929917.11), dbSNP rs1392510268, ClinGen allele CA378228128.